The following is an entry in ClinVar:

ClinVar aggregate classification (germline): Benign/Likely benign. Review status: criteria provided, multiple submitters, no conflicts (2 of 4 stars). 8 submissions from 8 submitters: Benign (3); Likely benign (2). 3 of the submissions do not count toward it. Last evaluated 2026-01-30.

Conditions:
Inborn genetic diseases. Identifiers: MedGen C0950123, MeSH D030342.
Cohen syndrome (COH1). Also called: Cutis verticis gyrata, retinitis pigmentosa, and sensorineural deafness; PEPPER SYNDROME. Identifiers: Orphanet 193, MedGen C0265223, MONDO:0008999, OMIM 216550.

Allele frequency attached by ClinVar (database versions not stated): 1000 Genomes Project 0.00319; gnomAD 0.00025 and 0.00038; TOPMed 0.00037; ExAC 0.00074; gnomAD exomes 0.00093; 1000 Genomes Project 30x 0.00281.
gnomAD v4.1: 312 of 1,614,154 alleles (0.019%); highest among the groups gnomAD compares: East Asian, 0.58%; no homozygotes.

Submissions (8):

Labcorp Genetics (formerly Invitae), Labcorp
Classification: Benign for Cohen syndrome. Last evaluated: 2026-01-30. Review status: criteria provided, single submitter. Criteria: Invitae Variant Classification Sherloc (09022015). Collection method: clinical testing. Allele origin: germline.

Blueprint Genetics
Classification: Likely benign. Last evaluated: 2024-10-07. Review status: criteria provided, single submitter. Criteria: ACMG Guidelines, 2015. Collection method: clinical testing. Allele origin: germline.

Ambry Genetics
Classification: Benign for Inborn genetic diseases. Last evaluated: 2018-12-20. Review status: criteria provided, single submitter. Criteria: Ambry Variant Classification Scheme 2023. Collection method: clinical testing. Allele origin: germline.

Illumina Laboratory Services, Illumina
Classification: Likely benign for Cohen syndrome. Last evaluated: 2018-01-13. Review status: criteria provided, single submitter. Criteria: ICSL Variant Classification Criteria 13 December 2019. Collection method: clinical testing. Allele origin: germline.
Comment: This variant was observed in the ICSL laboratory as part of a predisposition screen in an ostensibly healthy population. It had not been previously curated by ICSL or reported in the Human Gene Mutation Database (HGMD: prior to June 1st, 2018), and was therefore a candidate for classification through an automated scoring system. Utilizing variant allele frequency, disease prevalence and penetrance estimates, and inheritance mode, an automated score was calculated to assess if this variant is too frequent to cause the disease. Based on the score and internal cut-off values, a variant classified as likely benign is not then subjected to further curation. The score for this variant resulted in a classification of likely benign for this disease.

Eurofins Ntd Llc (ga)
Classification: Benign. Last evaluated: 2015-10-05. Review status: criteria provided, single submitter. Criteria: EGL Classification Definitions 2015. Collection method: clinical testing. Allele origin: germline. Observed: 1 variant allele, 1 heterozygote.

Natera, Inc.
Classification: Likely benign for Cohen syndrome. Last evaluated: 2020-06-06. Review status: no assertion criteria provided. Collection method: clinical testing. Allele origin: germline. Not counted in ClinVar's aggregate classification.

Clinical Genetics DNA and cytogenetics Diagnostics Lab, Erasmus MC, Erasmus Medical Center
Classification: Likely benign. Review status: no assertion criteria provided. Collection method: clinical testing. Allele origin: germline. Affected: yes. Study: VKGL Data-share Consensus. Not counted in ClinVar's aggregate classification.

Clinical Genetics, Academic Medical Center
Classification: Likely benign. Review status: no assertion criteria provided. Collection method: clinical testing. Allele origin: germline. Affected: yes. Study: VKGL Data-share Consensus. Not counted in ClinVar's aggregate classification.

NM_152564.5(VPS13B):c.11884C>G (p.Pro3962Ala)

Gene: VPS13B (vacuolar protein sorting 13 homolog B; plus strand). Cytogenetic location: 8q22.2.
Variant type: single nucleotide variant.
Coding change: c.11884C>G on transcript NM_152564.5 (MANE Select); coding-DNA position 11884, C replaced by G.
Protein change: p.Pro3962Ala; replaces proline 3962 with alanine.
Molecular consequence: missense variant.
Genome position (GRCh38, 1-based): chr8:99,875,556, C>G. VCF-style: chr8-99875556-C-G. GRCh37 (hg19) VCF-style: chr8-100887784-C-G.
Other names: c.11959C>G, p.Pro3987Ala (NM_017890.5); short protein forms P3987A, P3962A.
Identifiers: ClinVar variation 283776 (VCV000283776.26), dbSNP rs201483764, ClinGen allele CA4825365.
Genomic context (GRCh38, chr8:99,875,556, plus strand): 5'-CTGGCCCCCAGCTGTTCTTCCATGCAAATACCATGCCCTGTGGTGGCTGCAGAACCTCCC[C>G]CCTCCACTGTTAAAACATACCATTACCTGGTTGATCCACATTTTGCTCAGGTCTTCCTTA-3'
Protein context (NP_689777.3, residues 3952-3972): PCPVVAAEPP[Pro3962Ala]STVKTYHYLV